The following is an entry in ClinVar:

ClinVar aggregate classification (germline): Pathogenic. Review status: criteria provided, multiple submitters, no conflicts (2 of 4 stars). 2 submissions from 2 submitters: Pathogenic (2). Last evaluated 2024-05-23.

Conditions:
Polycystic kidney disease, adult type (PKD1). Also called: Polycystic Kidney Disease 1, Autosomal Dominant; Polycystic kidney disease 1; Polycystic kidney disease 1, severe; Polycystic Kidney, Autosomal Dominant; POLYCYSTIC KIDNEY DISEASE 1 WITH OR WITHOUT POLYCYSTIC LIVER DISEASE; POLYCYSTIC KIDNEY DISEASE, ADULT, TYPE I. Identifiers: MedGen C3149841, MONDO:0008263, OMIM 173900.

Submissions (2):

Fulgent Genetics
Classification: Pathogenic for Polycystic kidney disease, adult type. Last evaluated: 2024-05-23. Review status: criteria provided, single submitter. Criteria: ACMG Guidelines, 2015. Collection method: clinical testing. Allele origin: germline.

MVZ Medizinische Genetik Mainz
Classification: Pathogenic for Polycystic kidney disease, adult type. Last evaluated: 2022-10-13. Review status: criteria provided, single submitter. Criteria: UK Practice Guidelines For Variant Classification V4 01 2020. Collection method: clinical testing. Allele origin: germline. Inheritance: Autosomal dominant inheritance. Observed: 1 variant allele.
Comment: ACMG Criteria: PVS1, PM2_SUP, PP4 (ACMG Version 4)

NM_001009944.3(PKD1):c.3930_3931insCA (p.Ala1311fs)

Gene: PKD1 (polycystin 1, transient receptor potential channel interacting; minus strand). Cytogenetic location: 16p13.3.
Variant type: Insertion.
Coding change: c.3930_3931insCA on transcript NM_001009944.3 (MANE Select); coding-DNA positions 3930 to 3931, CA inserted.
Protein change: p.Ala1311fs; shifts the reading frame from alanine 1311.
Molecular consequence: frameshift variant.
Genome position: GRCh38 VCF-style: chr16-2111236-C-CTG. GRCh37 (hg19) VCF-style: chr16-2161237-C-CTG.
Other names: c.3930_3931insCA, p.Ala1311fs (NM_000296.4); short protein forms A1311fs.
Identifiers: ClinVar variation 3236373 (VCV003236373.2), dbSNP rs2544826608, ClinGen allele CA2825002327.
Genomic context (GRCh38, chr16:2,111,236, plus strand): 5'-CGAAGGTCCAGTCGAAGAGGTAGTGGGCCGGGTTCCCGGTGACGTAGGCCGTGAGCCGCG[C>CTG]GTCAGGCTGCGTGGGGATGCAGGCGGCGGGTTCAACGCGCAGCACCTCCAGGACGAAGAC-3'